The following is an entry in ClinVar:

NM_001371279.1(REEP1):c.792T>C (p.Pro264=)

Gene: REEP1 (receptor accessory protein 1; minus strand). Cytogenetic location: 2p11.2.
Variant type: single nucleotide variant.
Coding change: c.792T>C on transcript NM_001371279.1 (MANE Select); coding-DNA position 792, T replaced by C.
Protein change: p.Pro264=; no amino-acid change (proline 264 retained).
Molecular consequence: synonymous variant. On other transcripts: stop lost (4).
Genome position (GRCh38, 1-based): chr2:86,217,102, A>G on the plus strand (T>C on the coding strand, the complement: REEP1 is on the minus strand). VCF-style: chr2-86217102-A-G. GRCh37 (hg19) VCF-style: chr2-86444225-A-G.
Other names: c.625T>C, p.Ter209Gln (NM_001164730.2); c.523T>C, p.Ter175Gln (NM_001164731.2); c.369T>C, p.Pro123= (NM_001164732.2); c.426T>C, p.Pro142= (NM_001371280.1); c.756T>C, p.Pro252= (NM_001410855.1); c.640T>C, p.Ter214Gln (NM_001410856.1); c.604T>C, p.Ter202Gln (NM_022912.3).
Identifiers: ClinVar variation 3630738 (VCV003630738.2).

ClinVar aggregate classification (germline): Uncertain significance (1 of 4 stars; one submission).

Conditions:
Hereditary spastic paraplegia 31. Also called: SPASTIC PARAPLEGIA 31, AUTOSOMAL DOMINANT. Identifiers: Orphanet 101011, MedGen C1853247, MONDO:0012453, OMIM 610250.

Submission:

Labcorp Genetics (formerly Invitae), Labcorp
Classification: Uncertain significance for Hereditary spastic paraplegia 31. Last evaluated: 2024-02-02. Review status: criteria provided, single submitter. Criteria: Invitae Variant Classification Sherloc (09022015). Collection method: clinical testing. Allele origin: germline.
Comment: This sequence change disrupts the translational stop signal of the REEP1 mRNA. It is expected to extend the length of the REEP1 protein by 54 additional amino acid residues. This variant is not present in population databases (gnomAD no frequency). This variant has not been reported in the literature in individuals affected with REEP1-related conditions. This variant results in an extension of the REEP1 protein. Other variant(s) that result in a similarly extended protein product (p.*202Trpext*54) have been observed in individuals with REEP1-related disease (PMID: 29124833). This suggests that these extensions may be clinically significant. In summary, the available evidence is currently insufficient to determine the role of this variant in disease. Therefore, it has been classified as a Variant of Uncertain Significance.

Literature cited by the submitters: PubMed 29124833.